The following is an entry in ClinVar:

NM_014271.4(IL1RAPL1):c.555C>A (p.Cys185Ter)

Gene: IL1RAPL1 (interleukin 1 receptor accessory protein like 1; plus strand). Cytogenetic location: Xp21.2.
Variant type: single nucleotide variant.
Coding change: c.555C>A on transcript NM_014271.4 (MANE Select); coding-DNA position 555, C replaced by A.
Protein change: p.Cys185Ter; replaces cysteine 185 with a stop codon.
Molecular consequence: nonsense.
Genome position (GRCh38, 1-based): chrX:29,399,160, C>A. VCF-style: chrX-29399160-C-A. GRCh37 (hg19) VCF-style: chrX-29417277-C-A.
Other names: short protein forms C185*.
Identifiers: ClinVar variation 2497799 (VCV002497799.1), dbSNP rs2519094101, ClinGen allele CA412632467.
Genomic context (GRCh38, chrX:29,399,160, plus strand): 5'-TTCTATATTTTTCCATTACTATATGTACTACCAAAATTGTATGTTCTTCATATAGGAATG[C>A]AGGACAAAAACATGGAGGCCAAGTATTGTATTCAAAAGAGATACTCTGCTTATAAGAGAA-3'

ClinVar aggregate classification (germline): Pathogenic (1 of 4 stars; one submission).

Submission:

GeneDx
Classification: Pathogenic. Last evaluated: 2022-10-04. Review status: criteria provided, single submitter. Criteria: GeneDx Variant Classification Process June 2021. Collection method: clinical testing. Allele origin: germline. Affected: yes.
Comment: Nonsense variant predicted to result in protein truncation or nonsense mediated decay in a gene for which loss of function is a known mechanism of disease; Not observed at significant frequency in large population cohorts (gnomAD); Has not been previously published as pathogenic or benign to our knowledge